The following is an entry in ClinVar:

ClinVar aggregate classification (germline): Uncertain significance (1 of 4 stars; one submission).

Submission:

CeGaT Center for Human Genetics Tuebingen
Classification: Uncertain significance. Last evaluated: 2024-08-01. Review status: criteria provided, single submitter. Criteria: CeGaT Center For Human Genetics Tuebingen Variant Classification Criteria Version 2. Collection method: clinical testing. Allele origin: germline. Affected: yes. Observed: 1 variant allele.
Comment: KCNN2: PM2, PVS1:Moderate

NM_021614.4(KCNN2):c.725_726del (p.Glu242fs)

Gene: KCNN2 (potassium calcium-activated channel subfamily N member 2; plus strand). Cytogenetic location: 5q22.3.
Variant type: Microsatellite.
Coding change: c.725_726del on transcript NM_021614.4 (MANE Select); coding-DNA positions 725 to 726, 2 bases deleted (AG; older notation c.725_726delAG).
Protein change: p.Glu242fs; shifts the reading frame from glutamic acid 242.
Molecular consequence: frameshift variant. On other transcripts: non-coding transcript variant (1).
Genome position (GRCh38, 1-based): chr5:114,362,864-114,362,865, AG deleted; deleting any 2 consecutive bases within chr5:114,362,862-114,362,865 gives the same sequence; the c. name uses the placement nearest the transcript's 3' end. VCF-style (leftmost placement, unchanged base first): chr5-114362861-CAG-C. GRCh37 (hg19) VCF-style: chr5-113698558-CAG-C.
Other names: c.923_924del, p.Glu308fs (NM_001372233.1); short protein forms E242fs, E308fs.
Identifiers: ClinVar variation 3027193 (VCV003027193.22), dbSNP rs2531553220, ClinGen allele CA2740094015.